The following is an entry in ClinVar:

ClinVar aggregate classification (germline): Uncertain significance (1 of 4 stars; one submission).

Conditions:
Brugada syndrome 8 (BRGDA8). Identifiers: Orphanet 130, MedGen C2751083, MONDO:0013148, OMIM 613123.

Submission:

Labcorp Genetics (formerly Invitae), Labcorp
Classification: Uncertain significance for Brugada syndrome 8. Last evaluated: 2024-02-11. Review status: criteria provided, single submitter. Criteria: Invitae Variant Classification Sherloc (09022015). Collection method: clinical testing. Allele origin: germline.
Comment: This sequence change replaces arginine, which is basic and polar, with lysine, which is basic and polar, at codon 1140 of the HCN4 protein (p.Arg1140Lys). This variant is not present in population databases (gnomAD no frequency). This variant has not been reported in the literature in individuals affected with HCN4-related conditions. ClinVar contains an entry for this variant (Variation ID: 1953425). Advanced modeling of protein sequence and biophysical properties (such as structural, functional, and spatial information, amino acid conservation, physicochemical variation, residue mobility, and thermodynamic stability) performed at Invitae indicates that this missense variant is not expected to disrupt HCN4 protein function with a negative predictive value of 80%. In summary, the available evidence is currently insufficient to determine the role of this variant in disease. Therefore, it has been classified as a Variant of Uncertain Significance.

NM_005477.3(HCN4):c.3419G>A (p.Arg1140Lys)

Gene: HCN4 (hyperpolarization activated cyclic nucleotide gated potassium channel 4; minus strand). Cytogenetic location: 15q24.1.
Variant type: single nucleotide variant.
Coding change: c.3419G>A on transcript NM_005477.3 (MANE Select); coding-DNA position 3419, G replaced by A.
Protein change: p.Arg1140Lys; replaces arginine 1140 with lysine.
Molecular consequence: missense variant.
Genome position (GRCh38, 1-based): chr15:73,322,674, C>T on the plus strand (G>A on the coding strand, the complement: HCN4 is on the minus strand). VCF-style: chr15-73322674-C-T. GRCh37 (hg19) VCF-style: chr15-73615015-C-T.
Other names: short protein forms R1140K.
Identifiers: ClinVar variation 1953425 (VCV001953425.5), dbSNP rs2549067873, ClinGen allele CA393085369.
Genomic context (GRCh38, chr15:73,322,674, plus strand): 5'-GAACCTGAGGATGTCTTCCGAGGCAGAGTGACGTGCTGGCCGGGGATGGCACCATAGGGC[C>T]TCCCAGGGGGACCGAGGCCCCCGCTGCTCCCACTGCCCCCGCTGCCACCCCCAGCCCTGG-3'
Protein context (NP_005468.1, residues 1130-1150): GSSGGLGPPG[Arg1140Lys]PYGAIPGQHV